The following is an entry in ClinVar:

ClinVar aggregate classification (germline): Likely benign. Review status: criteria provided, multiple submitters, no conflicts (2 of 4 stars). 3 submissions from 3 submitters: Likely benign (2). 1 of the submissions does not count toward it. Last evaluated 2024-04-23.

Conditions:
CTC1-related disorder. Also called: CTC1-related condition.
Dyskeratosis congenita. Identifiers: Orphanet 1775, MedGen C0265965, MONDO:0015780.

gnomAD v4.1: 8 of 1,614,050 alleles (0.0005%); highest among the groups gnomAD compares: East Asian, 0.0045%; no homozygotes.

Submissions (3):

Labcorp Genetics (formerly Invitae), Labcorp
Classification: Likely benign for Dyskeratosis congenita. Last evaluated: 2024-04-23. Review status: criteria provided, single submitter. Criteria: Invitae Variant Classification Sherloc (09022015). Collection method: clinical testing. Allele origin: germline.

Blueprint Genetics
Classification: Likely benign. Last evaluated: 2022-02-28. Review status: criteria provided, single submitter. Criteria: ACMG Guidelines, 2015. Collection method: clinical testing. Allele origin: germline.

PreventionGenetics, part of Exact Sciences
Classification: Likely benign for CTC1-related condition. Last evaluated: 2023-12-27. Review status: no assertion criteria provided. Collection method: clinical testing. Allele origin: germline. Not counted in ClinVar's aggregate classification.
Comment: This variant is classified as likely benign based on ACMG/AMP sequence variant interpretation guidelines (Richards et al. 2015 PMID: 25741868, with internal and published modifications).

NM_025099.6(CTC1):c.3405C>T (p.Asp1135=)

Gene: CTC1 (CST telomere replication complex component 1; minus strand). Cytogenetic location: 17p13.1.
Variant type: single nucleotide variant.
Coding change: c.3405C>T on transcript NM_025099.6 (MANE Select); coding-DNA position 3405, C replaced by T.
Protein change: p.Asp1135=; no amino-acid change (aspartic acid 1135 retained).
Molecular consequence: synonymous variant. On other transcripts: non-coding transcript variant (1).
Genome position (GRCh38, 1-based): chr17:8,228,612, G>A on the plus strand (C>T on the coding strand, the complement: CTC1 is on the minus strand). VCF-style: chr17-8228612-G-A. GRCh37 (hg19) VCF-style: chr17-8131930-G-A.
Other names: c.3174C>T, p.Asp1058= (NM_001411067.1); c.3405C>T (NM_025099.5).
Identifiers: ClinVar variation 2058932 (VCV002058932.7), dbSNP rs755058193, ClinGen allele CA8371779.
Genomic context (GRCh38, chr17:8,228,612, plus strand): 5'-AATAGGACGGAGGACAGAGGGGCTAGTACAAAGTGTCCAGAGGAACATGGTCATGGGCTC[G>A]TCAACCCTGGCTGAAGACTAGAAAGAGAAGGTCAAGGTTAACTGGCTCCTAAACCCTTTG-3'
Protein context (NP_079375.3, residues 1125-1145): GAQLESSARV[Asp1135=]EPMTMFLWTL